The following is an entry in ClinVar:

NM_004999.4(MYO6):c.2014A>G (p.Asn672Asp)

Gene: MYO6 (myosin VI; plus strand). Cytogenetic location: 6q14.1.
Variant type: single nucleotide variant.
Coding change: c.2014A>G on transcript NM_004999.4 (MANE Select); coding-DNA position 2014, A replaced by G.
Protein change: p.Asn672Asp; replaces asparagine 672 with aspartic acid.
Molecular consequence: missense variant. On other transcripts: non-coding transcript variant (1).
Genome position (GRCh38, 1-based): chr6:75,873,237, A>G. VCF-style: chr6-75873237-A-G. GRCh37 (hg19) VCF-style: chr6-76582954-A-G.
Other names: c.2014A>G, p.Asn672Asp (NM_001300899.2, NM_001368136.1, NM_001368137.1 and 2 more transcripts); c.1999A>G, p.Asn667Asp (NM_001368138.1); c.2014A>G (NM_004999.3); short protein forms N667D, N672D.
Identifiers: ClinVar variation 1677613 (VCV001677613.2), dbSNP rs1436084356, ClinGen allele CA364768947.

ClinVar aggregate classification (germline): Uncertain significance. Review status: criteria provided, multiple submitters, no conflicts (2 of 4 stars). 2 submissions from 2 submitters: Uncertain significance (2). Last evaluated 2024-01-09.

Allele frequency attached by ClinVar (database versions not stated): gnomAD exomes below 0.00001 and 0.00001; gnomAD 0.00001; TOPMed 0.00001.
gnomAD v4.1: 12 of 1,613,948 alleles (0.00074%); highest among the groups gnomAD compares: Non-Finnish European, 0.001%; no homozygotes.

Submissions (2):

GeneDx
Classification: Uncertain significance. Last evaluated: 2024-01-09. Review status: criteria provided, single submitter. Criteria: GeneDx Variant Classification Process June 2021. Collection method: clinical testing. Allele origin: germline. Affected: yes.
Comment: Not observed at significant frequency in large population cohorts (gnomAD); In silico analysis supports that this missense variant has a deleterious effect on protein structure/function; Has not been previously published as pathogenic or benign to our knowledge

AiLife Diagnostics
Classification: Uncertain significance. Last evaluated: 2022-01-18. Review status: criteria provided, single submitter. Criteria: ACMG Guidelines, 2015. Collection method: clinical testing. Allele origin: germline. Affected: yes. Observed: 2 variant alleles.